The following is an entry in ClinVar:

NM_001242896.3(DEPDC5):c.2010C>T (p.His670=)

Gene: DEPDC5 (DEP domain containing 5, GATOR1 subcomplex subunit; plus strand). Cytogenetic location: 22q12.3.
Variant type: single nucleotide variant.
Coding change: c.2010C>T on transcript NM_001242896.3 (MANE Select); coding-DNA position 2010, C replaced by T.
Protein change: p.His670=; no amino-acid change (histidine 670 retained).
Molecular consequence: synonymous variant. On other transcripts: non-coding transcript variant (4), intron variant (3).
Genome position (GRCh38, 1-based): chr22:31,822,696, C>T. VCF-style: chr22-31822696-C-T. GRCh37 (hg19) VCF-style: chr22-32218682-C-T.
Other names: c.2010C>T, p.His670= (NM_001136029.4, NM_001363852.2, NM_001364318.2 and 3 more transcripts); c.1926C>T, p.His642= (NM_001369901.1, NM_001369902.1); c.1870+3471C>T (NM_001363854.2, NM_001242897.2, NM_001364319.2).
Identifiers: ClinVar variation 2630710 (VCV002630710.3), dbSNP rs752274547, ClinGen allele CA514265843.
Genomic context (GRCh38, chr22:31,822,696, plus strand): 5'-AGGAAAAAGAGGTGATGATCTACATTAAGCCAGGTGGCTGGGCTCTGTTCTCTGCAGGCA[C>T]AGCAATTCCCGCCAGCCTGGTGACGGCATGTCCTTCTTGAACTTCAGTGGAACAGAGGAG-3'
Protein context (NP_001229825.1, residues 660-680): ELAYHEAAGR[His670=]SNSRQPGDGM

ClinVar aggregate classification (germline): Conflicting classifications of pathogenicity. Review status: criteria provided, conflicting classifications (1 of 4 stars). 2 submissions from 2 submitters: Uncertain significance (1); Likely benign (1). Last evaluated 2024-04-10.

Conditions:
DEPDC5-related disorder. Also called: DEPDC5-related condition; DEPDC5-related related disorder.
Familial focal epilepsy with variable foci (FPEVF). Identifiers: Orphanet 98820, MedGen C1858477, MONDO:0020310.

gnomAD v4.1: 1 of 1,613,924 alleles (0.000062%); highest among the groups gnomAD compares: Non-Finnish European, 0.000085%; no homozygotes.

Submissions (2):

Labcorp Genetics (formerly Invitae), Labcorp
Classification: Likely benign for Familial focal epilepsy with variable foci. Last evaluated: 2024-04-10. Review status: criteria provided, single submitter. Criteria: Invitae Variant Classification Sherloc (09022015). Collection method: clinical testing. Allele origin: germline.

PreventionGenetics, part of Exact Sciences
Classification: Uncertain significance for DEPDC5-related condition. Last evaluated: 2023-08-27. Review status: criteria provided, single submitter. Criteria: ACMG Guidelines, 2015. Collection method: clinical testing. Allele origin: germline.
Comment: The DEPDC5 c.2010C>T variant is not predicted to result in an amino acid change (p.=). However, this variant is predicted to decrease the strength of the neighboring splice acceptor site and may result in aberrant splicing (SpliceAI, Jaganathan K, et al. 2019. PubMed ID: 30661751). To our knowledge, this variant has not been reported in the literature or in a large population database, indicating this variant is rare. At this time, the clinical significance of this variant is uncertain due to the absence of conclusive functional and genetic evidence.